The following is an entry in ClinVar:

ClinVar aggregate classification (germline): Uncertain significance. Review status: criteria provided, multiple submitters, no conflicts (2 of 4 stars). 2 submissions from 2 submitters: Uncertain significance (2). Last evaluated 2025-05-24.

Conditions:
COL18A1-related disorder. Also called: COL18A1-related condition; COL18A1-related disorders.

Allele frequency attached by ClinVar (database versions not stated): gnomAD 0.00001; gnomAD exomes 0.00001 and 0.00002; TOPMed 0.00002; 1000 Genomes Project 30x 0.00016; ExAC 0.00017; 1000 Genomes Project 0.00020.
gnomAD v4.1: 9 of 1,513,820 alleles (0.00059%); highest among the groups gnomAD compares: Admixed American, 0.0044%; no homozygotes.

Submissions (2):

PreventionGenetics, part of Exact Sciences
Classification: Uncertain significance for COL18A1-related condition. Last evaluated: 2025-05-24. Review status: criteria provided, single submitter. Criteria: ACMG Guidelines, 2015. Collection method: clinical testing. Allele origin: germline.
Comment: The COL18A1 c.1307C>T variant is predicted to result in the amino acid substitution p.Pro436Leu. To our knowledge, this variant has not been reported in the literature. This variant is reported in 0.019% of alleles in individuals of African descent in gnomAD. At this time, the clinical significance of this variant is uncertain due to the absence of conclusive functional and genetic evidence.

GeneDx
Classification: Uncertain significance. Last evaluated: 2017-10-18. Review status: criteria provided, single submitter. Criteria: GeneDx Variant Classification (06012015). Collection method: clinical testing. Allele origin: germline. Affected: yes.
Comment: The P436L variant, present in an alternate transcript of the COL18A1 gene, has not been reported previously as a pathogenic variant, nor as a benign variant, to our knowledge. The P436L variant is not observed in large population cohorts (Lek et al., 2016). The P436L variant is a semi-conservative amino acid substitution, which may impact secondary protein structure as these residues differ in some properties. This substitution occurs at a position that is conserved in mammals. In silico analysis is inconsistent in its predictions as to whether or not the variant is damaging to the protein structure/function. We interpret P436L as a variant of uncertain significance.

NM_001379500.1(COL18A1):c.107-11405C>T

Gene: COL18A1 (collagen type XVIII alpha 1 chain; plus strand). Cytogenetic location: 21q22.3.
Variant type: single nucleotide variant.
Coding change: c.107-11405C>T on transcript NM_001379500.1 (MANE Select); 11405 bases into the intron before coding-DNA position 107, C replaced by T.
Molecular consequence: intron variant. On other transcripts: missense variant (1).
Genome position (GRCh38, 1-based): chr21:45,456,837, C>T. VCF-style: chr21-45456837-C-T. GRCh37 (hg19) VCF-style: chr21-46876751-C-T.
Other names: NM_130445.2:c.107-11405C>T; c.1307C>T (NM_130444.2); c.1307C>T, p.Pro436Leu (NM_130444.3); c.646+661C>T (NM_030582.4); short protein forms P436L.
Identifiers: ClinVar variation 452739 (VCV000452739.3), dbSNP rs558767689, ClinGen allele CA10065660.
Genomic context (GRCh38, chr21:45,456,837, plus strand): 5'-AGGATGCGTGTTGGAGCCGCCTGGGCGGGGGCCGGCTGCCCGTCGCCTGTGCCTCGCTCC[C>T]GACCCAGGAGGATGGGTACTGTGTGCTCATTGGGCCGGCTGCAGGTAACTGGCCGGCCCC-3'